The following is an entry in ClinVar:

NM_001382391.1(CSPP1):c.676T>A (p.Leu226Ile)

Gene: CSPP1 (centrosome and spindle pole associated protein 1; plus strand). Cytogenetic location: 8q13.1.
Variant type: single nucleotide variant.
Coding change: c.676T>A on transcript NM_001382391.1 (MANE Select); coding-DNA position 676, T replaced by A.
Protein change: p.Leu226Ile; replaces leucine 226 with isoleucine.
Molecular consequence: missense variant. On other transcripts: 5 prime UTR variant (1).
Genome position (GRCh38, 1-based): chr8:67,095,485, T>A. VCF-style: chr8-67095485-T-A. GRCh37 (hg19) VCF-style: chr8-68007720-T-A.
Other names: c.-180T>A (NM_001291339.2); c.595T>A, p.Leu199Ile (NM_001363131.2, NM_001363133.2); c.676T>A, p.Leu226Ile (NM_001363132.2); c.784T>A, p.Leu262Ile (NM_001364869.1); c.703T>A, p.Leu235Ile (NM_001364870.1, NM_024790.7); short protein forms L235I, L262I, L199I, L226I.
Identifiers: ClinVar variation 1955843 (VCV001955843.5), dbSNP rs767267797, ClinGen allele CA4770335.

ClinVar aggregate classification (germline): Uncertain significance. Review status: criteria provided, single submitter (1 of 4 stars). 2 submissions from 2 submitters: Uncertain significance (1). 1 of the submissions does not count toward it. Last evaluated 2022-05-16.

Conditions:
Joubert syndrome 21 (JBTS21). Identifiers: MedGen C3810212, MONDO:0014288, OMIM 615636.
Retinal dystrophy. Also called: Inherited retinal dystrophy. Identifiers: Orphanet 71862, MedGen C0854723, MeSH D058499, MONDO:0019118, HP:0000556.

Allele frequency attached by ClinVar (database versions not stated): ExAC 0.00001; gnomAD 0.00001; gnomAD exomes 0.00001.
gnomAD v4.1: 4 of 1,613,046 alleles (0.00025%); highest among the groups gnomAD compares: South Asian, 0.0044%; no homozygotes.

Submissions (2):

Labcorp Genetics (formerly Invitae), Labcorp
Classification: Uncertain significance for Joubert syndrome 21. Last evaluated: 2022-05-16. Review status: criteria provided, single submitter. Criteria: Invitae Variant Classification Sherloc (09022015). Collection method: clinical testing. Allele origin: germline.
Comment: This variant is present in population databases (rs767267797, gnomAD 0.007%). In summary, the available evidence is currently insufficient to determine the role of this variant in disease. Therefore, it has been classified as a Variant of Uncertain Significance. Algorithms developed to predict the effect of missense changes on protein structure and function are either unavailable or do not agree on the potential impact of this missense change (SIFT: "Tolerated"; PolyPhen-2: "Probably Damaging"; Align-GVGD: "Class C0"). This variant has not been reported in the literature in individuals affected with CSPP1-related conditions. This sequence change replaces leucine, which is neutral and non-polar, with isoleucine, which is neutral and non-polar, at codon 235 of the CSPP1 protein (p.Leu235Ile).

Institute of Human Genetics, Univ. Regensburg, Univ. Regensburg
Classification: Uncertain significance for Retinal dystrophy. Last evaluated: 2023-01-01. Review status: no assertion criteria provided. Criteria: ACMG Guidelines, 2015. Collection method: clinical testing. Allele origin: germline. Affected: yes. Not counted in ClinVar's aggregate classification.